The following is an entry in ClinVar:

NM_001164508.2(NEB):c.17054G>C (p.Cys5685Ser)

Gene: NEB (nebulin; minus strand). Cytogenetic location: 2q23.3.
Variant type: single nucleotide variant.
Coding change: c.17054G>C on transcript NM_001164508.2 (MANE Select); coding-DNA position 17054, G replaced by C.
Protein change: p.Cys5685Ser; replaces cysteine 5685 with serine.
Molecular consequence: missense variant.
Genome position (GRCh38, 1-based): chr2:151,570,561, C>G on the plus strand (G>C on the coding strand, the complement: NEB is on the minus strand). VCF-style: chr2-151570561-C-G. GRCh37 (hg19) VCF-style: chr2-152427075-C-G.
Other names: c.17054G>C, p.Cys5685Ser (NM_001164507.2, NM_001271208.2); c.11951G>C, p.Cys3984Ser (NM_004543.5); short protein forms C3984S, C5685S.
Identifiers: ClinVar variation 1953411 (VCV001953411.2), dbSNP rs2552196180, ClinGen allele CA348808764.

ClinVar aggregate classification (germline): Uncertain significance (1 of 4 stars; one submission).

Conditions:
Nemaline myopathy 2 (NEM2). Also called: Nemaline myopathy 2, autosomal recessive. Identifiers: MedGen C1850569, MONDO:0009725, OMIM 256030.

Submission:

Labcorp Genetics (formerly Invitae), Labcorp
Classification: Uncertain significance for Nemaline myopathy 2. Last evaluated: 2021-06-04. Review status: criteria provided, single submitter. Criteria: Invitae Variant Classification Sherloc (09022015). Collection method: clinical testing. Allele origin: germline.
Comment: This sequence change replaces cysteine with serine at codon 5685 of the NEB protein (p.Cys5685Ser). The cysteine residue is moderately conserved and there is a moderate physicochemical difference between cysteine and serine. This variant is not present in population databases (ExAC no frequency). This variant has not been reported in the literature in individuals with NEB-related conditions. Algorithms developed to predict the effect of missense changes on protein structure and function are either unavailable or do not agree on the potential impact of this missense change (SIFT: "Deleterious"; PolyPhen-2: "Not Available"; Align-GVGD: "Class C0"). In summary, the available evidence is currently insufficient to determine the role of this variant in disease. Therefore, it has been classified as a Variant of Uncertain Significance.